The following is an entry in ClinVar:

NM_022356.4(P3H1):c.2014dup (p.Ile672fs)

Gene: P3H1 (prolyl 3-hydroxylase 1; minus strand). Cytogenetic location: 1p34.2.
Variant type: Duplication.
Coding change: c.2014dup on transcript NM_022356.4 (MANE Select); coding-DNA position 2014, one base duplicated (A; older notation c.2014dupA).
Protein change: p.Ile672fs; shifts the reading frame from isoleucine 672.
Molecular consequence: frameshift variant.
Genome position (GRCh38, 1-based): chr1:42,747,313, T duplicated on the plus strand (A on the coding strand, the reverse complement: P3H1 is on the minus strand). VCF-style (leftmost placement, unchanged base first): chr1-42747312-A-AT. GRCh37 (hg19) VCF-style: chr1-43212983-A-AT.
Other names: c.2014dup, p.Ile672fs (NM_001146289.2, NM_001243246.2); short protein forms I672fs.
Identifiers: ClinVar variation 2733874 (VCV002733874.3), dbSNP rs2524399688, ClinGen allele CA2586966456.
Genomic context (GRCh38, chr1:42,747,312, plus strand): 5'-CCCGCTCGAGCTGCTCTCACCCGCTCGCTGTGTCGAGGGTCCAGGGTGAACCACAGGGCG[A>AT]TGGCACAGCGCTGCCCCCTGGTGACAGCCTTCACTCCATGTGGGTTTTCAGTGCCTGAAG-3'

ClinVar aggregate classification (germline): Pathogenic (1 of 4 stars; one submission).

Conditions:
Osteogenesis imperfecta type 8 (OI8). Identifiers: MedGen C1970458, MONDO:0012581, OMIM 610915.

Submission:

Labcorp Genetics (formerly Invitae), Labcorp
Classification: Pathogenic for Osteogenesis imperfecta type 8. Last evaluated: 2023-02-06. Review status: criteria provided, single submitter. Criteria: Invitae Variant Classification Sherloc (09022015). Collection method: clinical testing. Allele origin: germline.
Comment: For these reasons, this variant has been classified as Pathogenic. This variant disrupts a region of the P3H1 protein in which other variant(s) (p.Glu719Argfs*11) have been determined to be pathogenic (PMID: 22615817, 27864101; Invitae). This suggests that this is a clinically significant region of the protein, and that variants that disrupt it are likely to be disease-causing. This variant disrupts the KDEL domain (p.Lys733-p.Leu736) of the P3H1 protein that is required for the cellular retention and activity of certain types of proteins (PMID: 3545499). This premature translational stop signal has been observed in individual(s) with osteogenesis imperfecta (PMID: 24498616). This variant is not present in population databases (gnomAD no frequency). This sequence change creates a premature translational stop signal (p.Ile672Asnfs*21) in the P3H1 gene. While this is not anticipated to result in nonsense mediated decay, it is expected to disrupt the last 65 amino acid(s) of the P3H1 protein.

Literature cited by the submitters: PubMed 22615817; PubMed 27864101; PubMed 3545499; PubMed 24498616.